The following is an entry in ClinVar:

ClinVar aggregate classification (germline): Uncertain significance (1 of 4 stars; one submission).

Conditions:
Catecholaminergic polymorphic ventricular tachycardia 1. Also called: VENTRICULAR TACHYCARDIA, CATECHOLAMINERGIC POLYMORPHIC, 1, WITH OR WITHOUT ATRIAL DYSFUNCTION AND/OR DILATED CARDIOMYOPATHY; RYR2-Related Catecholaminergic Polymorphic Ventricular Tachycardia; VENTRICULAR TACHYCARDIA, STRESS-INDUCED POLYMORPHIC 1. Identifiers: Orphanet 3286, MedGen C1631597, MONDO:0011484, OMIM 604772.

Allele frequency attached by ClinVar (database versions not stated): gnomAD exomes below 0.00001.
gnomAD v4.1: 4 of 1,611,668 alleles (0.00025%); highest among the groups gnomAD compares: Non-Finnish European, 0.00034%; no homozygotes.

Submission:

Labcorp Genetics (formerly Invitae), Labcorp
Classification: Uncertain significance for Catecholaminergic polymorphic ventricular tachycardia 1. Last evaluated: 2021-09-02. Review status: criteria provided, single submitter. Criteria: Invitae Variant Classification Sherloc (09022015). Collection method: clinical testing. Allele origin: germline.
Comment: This sequence change replaces glycine with arginine at codon 723 of the TRDN protein (p.Gly723Arg). The glycine residue is moderately conserved and there is a moderate physicochemical difference between glycine and arginine. This variant is not present in population databases (ExAC no frequency). This variant has not been reported in the literature in individuals affected with TRDN-related conditions. Algorithms developed to predict the effect of missense changes on protein structure and function output the following: SIFT: "Deleterious"; PolyPhen-2: "Possibly Damaging"; Align-GVGD: "Class C0". The arginine amino acid residue is found in multiple mammalian species, which suggests that this missense change does not adversely affect protein function. In summary, the available evidence is currently insufficient to determine the role of this variant in disease. Therefore, it has been classified as a Variant of Uncertain Significance.

NM_006073.4(TRDN):c.2167G>A (p.Gly723Arg)

Gene: TRDN (triadin; minus strand). Cytogenetic location: 6q22.31.
Variant type: single nucleotide variant.
Coding change: c.2167G>A on transcript NM_006073.4 (MANE Select); coding-DNA position 2167, G replaced by A.
Protein change: p.Gly723Arg; replaces glycine 723 with arginine.
Molecular consequence: missense variant.
Genome position (GRCh38, 1-based): chr6:123,218,624, C>T on the plus strand (G>A on the coding strand, the complement: TRDN is on the minus strand). VCF-style: chr6-123218624-C-T. GRCh37 (hg19) VCF-style: chr6-123539769-C-T.
Other names: short protein forms G723R.
Identifiers: ClinVar variation 1057805 (VCV001057805.45), dbSNP rs2114492194, ClinGen allele CA365564355.